The following is an entry in ClinVar:

ClinVar aggregate classification (germline): Pathogenic (1 of 4 stars; one submission).

Conditions:
Myofibrillar myopathy 5. Also called: FILAMINOPATHY, AUTOSOMAL DOMINANT; Filaminopathy (type). Identifiers: Orphanet 171445, MedGen C1836050, MONDO:0012289, OMIM 609524.
Distal myopathy with posterior leg and anterior hand involvement. Also called: WILLIAMS DISTAL MYOPATHY. Identifiers: Orphanet 63273, MedGen C3279722, MONDO:0013550, OMIM 614065.
Hypertrophic cardiomyopathy 26. Also called: Cardiomyopathy, familial hypertrophic, 26. Identifiers: Orphanet 75249, MedGen C4310749, MONDO:0014883, OMIM 617047.

Submission:

Labcorp Genetics (formerly Invitae), Labcorp
Classification: Pathogenic for Distal myopathy with posterior leg and anterior hand involvement; Myofibrillar myopathy 5; Hypertrophic cardiomyopathy 26. Last evaluated: 2023-05-22. Review status: criteria provided, single submitter. Criteria: Invitae Variant Classification Sherloc (09022015). Collection method: clinical testing. Allele origin: germline.
Comment: For these reasons, this variant has been classified as Pathogenic. ClinVar contains an entry for this variant (Variation ID: 1438271). This variant has not been reported in the literature in individuals affected with FLNC-related conditions. This variant is not present in population databases (gnomAD no frequency). This sequence change creates a premature translational stop signal (p.Val2024Alafs*53) in the FLNC gene. It is expected to result in an absent or disrupted protein product. Loss-of-function variants in FLNC are known to be pathogenic (PMID: 27908349).

Literature cited by the submitters: PubMed 27908349.

NM_001458.5(FLNC):c.6071del (p.Val2024fs)

Genes: FLNC (filamin C; plus strand), FLNC-AS1 (FLNC antisense RNA 1; minus strand). Cytogenetic location: 7q32.1.
Variant type: Deletion.
Coding change: c.6071del on transcript NM_001458.5 (MANE Select); coding-DNA position 6071, one base deleted (T; older notation c.6071delT).
Protein change: p.Val2024fs; shifts the reading frame from valine 2024.
Molecular consequence: frameshift variant.
Genome position (GRCh38, 1-based): chr7:128,852,894, T deleted. VCF-style (leftmost placement, unchanged base first): chr7-128852893-GT-G. GRCh37 (hg19) VCF-style: chr7-128492947-GT-G.
Other names: c.5972del, p.Val1991fs (NM_001127487.2); short protein forms V2024fs, V1991fs.
Identifiers: ClinVar variation 1438271 (VCV001438271.6), dbSNP rs2128938894, ClinGen allele CA2573141603.